The following is an entry in ClinVar:

ClinVar aggregate classification (germline): Uncertain significance (1 of 4 stars; one submission).

Submission:

Labcorp Genetics (formerly Invitae), Labcorp
Classification: Uncertain significance. Last evaluated: 2023-03-20. Review status: criteria provided, single submitter. Criteria: Invitae Variant Classification Sherloc (09022015). Collection method: clinical testing. Allele origin: germline.
Comment: In summary, the available evidence is currently insufficient to determine the role of this variant in disease. Therefore, it has been classified as a Variant of Uncertain Significance. This variant disrupts the p.Cys121 amino acid residue in SFTPC. Other variant(s) that disrupt this residue have been observed in individuals with SFTPC-related conditions (PMID: 23719253, 25657025), which suggests that this may be a clinically significant amino acid residue. An algorithm developed to predict the effect of missense changes on protein structure and function (PolyPhen-2) suggests that this variant is likely to be disruptive. This variant has not been reported in the literature in individuals affected with SFTPC-related conditions. This variant is not present in population databases (gnomAD no frequency). This sequence change replaces cysteine, which is neutral and slightly polar, with tryptophan, which is neutral and slightly polar, at codon 121 of the SFTPC protein (p.Cys121Trp).

Literature cited by the submitters: PubMed 23719253; PubMed 25657025.

NM_001317778.2(SFTPC):c.363C>G (p.Cys121Trp)

Gene: SFTPC (surfactant protein C; plus strand). Cytogenetic location: 8p21.3.
Variant type: single nucleotide variant.
Coding change: c.363C>G on transcript NM_001317778.2 (MANE Select); coding-DNA position 363, C replaced by G.
Protein change: p.Cys121Trp; replaces cysteine 121 with tryptophan.
Molecular consequence: missense variant.
Genome position (GRCh38, 1-based): chr8:22,163,474, C>G. VCF-style: chr8-22163474-C-G. GRCh37 (hg19) VCF-style: chr8-22020987-C-G.
Other names: c.363C>G, p.Cys121Trp (NM_001172357.2, NM_001172410.2, NM_001317780.2 and 8 more transcripts); c.204C>G, p.Cys68Trp (NM_001317779.2, NM_001385660.1); short protein forms C121W, C68W.
Identifiers: ClinVar variation 2847980 (VCV002847980.3), dbSNP rs2538945434, ClinGen allele CA370537707.
Genomic context (GRCh38, chr8:22,163,474, plus strand): 5'-ATCTCCAGCATTCTGTGCCTAGCTGCTGATCGCCTACAAGCCAGCCCCTGGCACCTGCTG[C>G]TACATCATGAAGATAGCTCCAGAGAGCATCCCCAGTCTTGAGGCTCTCACTAGAAAAGTC-3'
Protein context (NP_001304707.1, residues 111-131): IAYKPAPGTC[Cys121Trp]YIMKIAPESI